The following is an entry in ClinVar:

ClinVar aggregate classification (germline): Pathogenic (1 of 4 stars; one submission).

Conditions:
Inflammatory bowel disease 28. Also called: Inflammatory bowel disease 28, early onset, autosomal recessive. Identifiers: Orphanet 238569, MedGen C2751053, MONDO:0013153, OMIM 613148.

Submission:

Labcorp Genetics (formerly Invitae), Labcorp
Classification: Pathogenic for Inflammatory bowel disease 28. Last evaluated: 2025-01-15. Review status: criteria provided, single submitter. Criteria: Invitae Variant Classification Sherloc (09022015). Collection method: clinical testing. Allele origin: germline.
Comment: This sequence change affects the initiator methionine of the IL10RA mRNA. The next in-frame methionine is located at codon 150. This variant is not present in population databases (gnomAD no frequency). Disruption of the initiator codon has been observed in individuals with inflammatory bowel disease (PMID: 35366317, 36370291). Algorithms developed to predict the effect of variants on gene product structure and function are not available or were not evaluated for this variant. Experimental studies have shown that disruption of the initiator codon affects IL10RA function (PMID: 36370291). This variant disrupts a region of the IL10RA protein in which other variant(s) (p.Arg117Cys) have been determined to be pathogenic (PMID: 24001973, 30212871). This suggests that this is a clinically significant region of the protein, and that variants that disrupt it are likely to be disease-causing. For these reasons, this variant has been classified as Pathogenic.

Literature cited by the submitters: PubMed 35366317; PubMed 36370291; PubMed 24001973; PubMed 30212871.

NM_001558.4(IL10RA):c.3G>A (p.Met1Ile)

Genes: IL10RA (interleukin 10 receptor subunit alpha; plus strand), LOC130006833 (ATAC-STARR-seq lymphoblastoid silent region 3941; plus strand). Cytogenetic location: 11q23.3.
Variant type: single nucleotide variant.
Coding change: c.3G>A on transcript NM_001558.4 (MANE Select); coding-DNA position 3, G replaced by A.
Protein change: p.Met1Ile; changes the start codon (methionine 1).
Molecular consequence: missense variant, initiator codon variant. On other transcripts: non-coding transcript variant (1).
Genome position (GRCh38, 1-based): chr11:117,986,470, G>A. VCF-style: chr11-117986470-G-A. GRCh37 (hg19) VCF-style: chr11-117857185-G-A.
Other names: short protein forms M1I.
Identifiers: ClinVar variation 3656591 (VCV003656591.2).